The following is an entry in ClinVar:

ClinVar aggregate classification (germline): Uncertain significance (1 of 4 stars; one submission).

Submission:

CeGaT Center for Human Genetics Tuebingen
Classification: Uncertain significance. Last evaluated: 2023-08-01. Review status: criteria provided, single submitter. Criteria: CeGaT Center For Human Genetics Tuebingen Variant Classification Criteria Version 2. Collection method: clinical testing. Allele origin: germline. Affected: yes. Observed: 3 variant alleles.
Comment: PGM2L1: PM2, PS4:Supporting

NM_173582.6(PGM2L1):c.1199AAG[1] (p.Glu401del)

Gene: PGM2L1 (phosphoglucomutase 2 like 1; minus strand). Cytogenetic location: 11q13.4.
Variant type: Microsatellite.
Coding change: c.1199AAG[1] on transcript NM_173582.6 (MANE Select); one copy of the 3-base unit AAG starting at c.1199; the reference has two copies in a row; one copy, 3 bases deleted.
Protein change: p.Glu401del; deletes glutamic acid 401.
Molecular consequence: inframe deletion.
Genome position (GRCh38, 1-based): chr11:74,345,483-74,345,485, CTT deleted on the plus strand (AAG on the coding strand, the reverse complement: PGM2L1 is on the minus strand); deleting any 3 consecutive bases within chr11:74,345,483-74,345,488 gives the same sequence; the position shown is the placement nearest the transcript's 3' end. VCF-style (leftmost placement, unchanged base first): chr11-74345482-CCTT-C. GRCh37 (hg19) VCF-style: chr11-74056527-CCTT-C.
Other names: short protein forms E401del.
Identifiers: ClinVar variation 2578663 (VCV002578663.25), dbSNP rs2495905163, ClinGen allele CA2580617957.